The following is an entry in ClinVar:

NM_020207.7(ERCC6L2):c.2413G>A (p.Ala805Thr)

Gene: ERCC6L2 (ERCC excision repair 6 like 2; plus strand). Cytogenetic location: 9q22.32.
Variant type: single nucleotide variant.
Coding change: c.2413G>A on transcript NM_020207.7 (MANE Select); coding-DNA position 2413, G replaced by A.
Protein change: p.Ala805Thr; replaces alanine 805 with threonine.
Molecular consequence: missense variant. On other transcripts: non-coding transcript variant (1).
Genome position (GRCh38, 1-based): chr9:95,972,164, G>A. VCF-style: chr9-95972164-G-A. GRCh37 (hg19) VCF-style: chr9-98734446-G-A.
Other names: c.2413G>A, p.Ala805Thr (NM_001375291.1, NM_001375292.1, NM_001375293.1 and 1 more transcripts); short protein forms A805T.
Identifiers: ClinVar variation 4694892 (VCV004694892.1).

ClinVar aggregate classification (germline): Uncertain significance (1 of 4 stars; one submission).

gnomAD v4.1: 1 of 1,304,230 alleles (0.000077%); highest among the groups gnomAD compares: Non-Finnish European, 0.0001%; no homozygotes.

Submission:

Labcorp Genetics (formerly Invitae), Labcorp
Classification: Uncertain significance. Last evaluated: 2025-12-09. Review status: criteria provided, single submitter. Criteria: Invitae Variant Classification Sherloc (09022015). Collection method: clinical testing. Allele origin: germline.
Comment: This sequence change replaces alanine, which is neutral and non-polar, with threonine, which is neutral and polar, at codon 816 of the ERCC6L2 protein (p.Ala816Thr). The frequency data for this variant in the population databases is considered unreliable, as metrics indicate poor data quality at this position in the gnomAD database. This variant has not been reported in the literature in individuals affected with ERCC6L2-related conditions. Experimental studies and prediction algorithms are not available or were not evaluated, and the functional significance of this variant is currently unknown. In summary, the available evidence is currently insufficient to determine the role of this variant in disease. Therefore, it has been classified as a Variant of Uncertain Significance.